The following is an entry in ClinVar:

NM_000709.4(BCKDHA):c.840C>T (p.Arg280=)

Gene: BCKDHA (branched chain keto acid dehydrogenase E1 subunit alpha; plus strand). Cytogenetic location: 19q13.2.
Variant type: single nucleotide variant.
Coding change: c.840C>T on transcript NM_000709.4 (MANE Select); coding-DNA position 840, C replaced by T.
Protein change: p.Arg280=; no amino-acid change (arginine 280 retained).
Molecular consequence: synonymous variant.
Genome position (GRCh38, 1-based): chr19:41,422,357, C>T. VCF-style: chr19-41422357-C-T. GRCh37 (hg19) VCF-style: chr19-41928262-C-T.
Other names: c.840C>T, p.Arg280= (NM_001164783.2).
Identifiers: ClinVar variation 381845 (VCV000381845.55), dbSNP rs61737367, ClinGen allele CA9461269.

ClinVar aggregate classification (germline): Benign/Likely benign. Review status: criteria provided, multiple submitters, no conflicts (2 of 4 stars). 4 submissions from 4 submitters: Benign (2); Likely benign (2). Last evaluated 2026-01-26.

Conditions:
Inborn genetic diseases. Identifiers: MedGen C0950123, MeSH D030342.
Maple syrup urine disease (MSUD). Identifiers: Orphanet 511, MedGen C0024776, MeSH D008375, MONDO:0009563. Disease mechanism: loss of function.

Allele frequency attached by ClinVar (database versions not stated): gnomAD exomes 0.00013 and 0.00031; ExAC 0.00032; gnomAD 0.00096 and 0.00101; TOPMed 0.00121; 1000 Genomes Project 0.00140; 1000 Genomes Project 30x 0.00156; ESP Exome Variant Server 0.00161.
gnomAD v4.1: 338 of 1,614,184 alleles (0.021%); highest among the groups gnomAD compares: African/African-American, 0.36%; 2 homozygotes.

Submissions (4):

Labcorp Genetics (formerly Invitae), Labcorp
Classification: Benign for Maple syrup urine disease. Last evaluated: 2026-01-26. Review status: criteria provided, single submitter. Criteria: Invitae Variant Classification Sherloc (09022015). Collection method: clinical testing. Allele origin: germline.

Ambry Genetics
Classification: Likely benign for Inborn genetic diseases. Last evaluated: 2023-11-06. Review status: criteria provided, single submitter. Criteria: Ambry Variant Classification Scheme 2023. Collection method: clinical testing. Allele origin: germline.

GeneDx
Classification: Likely benign. Last evaluated: 2020-06-29. Review status: criteria provided, single submitter. Criteria: GeneDx Variant Classification Process June 2021. Collection method: clinical testing. Allele origin: germline. Affected: yes.

Illumina Laboratory Services, Illumina
Classification: Benign for Maple syrup urine disease type 1A. Last evaluated: 2017-04-28. Review status: criteria provided, single submitter. Criteria: ICSL Variant Classification Criteria 13 December 2019. Collection method: clinical testing. Allele origin: germline.
Comment: This variant was observed as part of a predisposition screen in an ostensibly healthy population. A literature search was performed for the gene, cDNA change, and amino acid change (where applicable). No publications were found based on this search. Allele frequency data from public databases was too high to be consistent with this variant causing disease. Therefore, this variant is classified as benign.